The following is an entry in ClinVar:

ClinVar aggregate classification (germline): Pathogenic (1 of 4 stars; one submission).

Conditions:
Epilepsy, familial focal, with variable foci 2 (FFEVF2). Identifiers: MedGen C4310709, MONDO:0014924, OMIM 617116.

Submission:

Victorian Clinical Genetics Services, Murdoch Childrens Research Institute
Classification: Pathogenic for Epilepsy, familial focal, with variable foci 2. Last evaluated: 2025-01-28. Review status: criteria provided, single submitter. Criteria: ACMG Guidelines, 2015. Collection method: clinical testing. Allele origin: germline. Affected: yes.
Comment: This variant is classified as Pathogenic. Evidence in support of pathogenic classification: Variant is predicted to cause nonsense-mediated decay (NMD) and loss of protein (premature termination codon is located at least 54 nucleotides upstream of the final exon-exon junction); Variant is absent from gnomAD (v2, v3 and v4); Other NMD-predicted variant(s) comparable to the one identified in this case have very strong previous evidence for pathogenicity (DECIPHER, ClinVar). Additional information: This variant is heterozygous; This gene is associated with autosomal dominant disease; This variant has no previous evidence of pathogenicity; No published segregation evidence has been identified for this variant; No published functional evidence has been identified for this variant; Loss of function is a known mechanism of disease in this gene and is associated with familial focal epilepsy with variable foci 2 (MIM#617116); The condition associated with this gene has incomplete penetrance (PMIDs: 26505888, 27173016, 28199897); Variants in this gene are known to have variable expressivity (PMID: 27173016).

Literature cited by the submitters: PubMed 27173016; PubMed 28199897; PubMed 26505888.

NM_006545.5(NPRL2):c.754C>T (p.Gln252Ter)

Gene: NPRL2 (NPR2 like, GATOR1 complex subunit; minus strand). Cytogenetic location: 3p21.31.
Variant type: single nucleotide variant.
Coding change: c.754C>T on transcript NM_006545.5 (MANE Select); coding-DNA position 754, C replaced by T.
Protein change: p.Gln252Ter; replaces glutamine 252 with a stop codon.
Molecular consequence: nonsense.
Genome position (GRCh38, 1-based): chr3:50,348,377, G>A on the plus strand (C>T on the coding strand, the complement: NPRL2 is on the minus strand). VCF-style: chr3-50348377-G-A. GRCh37 (hg19) VCF-style: chr3-50385808-G-A.
Other names: short protein forms Q252*.
Identifiers: ClinVar variation 4531904 (VCV004531904.1).